The following is an entry in ClinVar:

ClinVar aggregate classification (germline): Uncertain significance (1 of 4 stars; one submission).

gnomAD v4.1: 1 of 1,201,918 alleles (0.000083%); no homozygotes.

Submission:

Labcorp Genetics (formerly Invitae), Labcorp
Classification: Uncertain significance. Last evaluated: 2022-09-03. Review status: criteria provided, single submitter. Criteria: Invitae Variant Classification Sherloc (09022015). Collection method: clinical testing. Allele origin: germline.
Comment: In summary, the available evidence is currently insufficient to determine the role of this variant in disease. Therefore, it has been classified as a Variant of Uncertain Significance. Algorithms developed to predict the effect of missense changes on protein structure and function (SIFT, PolyPhen-2, Align-GVGD) all suggest that this variant is likely to be tolerated. This variant has not been reported in the literature in individuals affected with SEMA6B-related conditions. This variant is not present in population databases (gnomAD no frequency). This sequence change replaces serine, which is neutral and polar, with phenylalanine, which is neutral and non-polar, at codon 783 of the SEMA6B protein (p.Ser783Phe).

NM_032108.4(SEMA6B):c.2348C>T (p.Ser783Phe)

Gene: SEMA6B (semaphorin 6B; minus strand). Cytogenetic location: 19p13.3.
Variant type: single nucleotide variant.
Coding change: c.2348C>T on transcript NM_032108.4 (MANE Select); coding-DNA position 2348, C replaced by T.
Protein change: p.Ser783Phe; replaces serine 783 with phenylalanine.
Molecular consequence: missense variant.
Genome position (GRCh38, 1-based): chr19:4,543,920, G>A on the plus strand (C>T on the coding strand, the complement: SEMA6B is on the minus strand). VCF-style: chr19-4543920-G-A. GRCh37 (hg19) VCF-style: chr19-4543932-G-A.
Other names: short protein forms S783F.
Identifiers: ClinVar variation 2096279 (VCV002096279.4), dbSNP rs2512182176, ClinGen allele CA403460721.